The following is an entry in ClinVar:

NM_032129.3(PLEKHN1):c.331-7C>T

Gene: PLEKHN1 (pleckstrin homology domain containing N1; plus strand). Cytogenetic location: 1p36.33.
Variant type: single nucleotide variant.
Coding change: c.331-7C>T on transcript NM_032129.3 (MANE Select); 7 bases into the intron before coding-DNA position 331, C replaced by T.
Molecular consequence: intron variant.
Genome position (GRCh38, 1-based): chr1:970,514, C>T. VCF-style: chr1-970514-C-T. GRCh37 (hg19) VCF-style: chr1-905894-C-T.
Other names: c.331-7C>T (NM_001367552.1, NM_001160184.2).
Identifiers: ClinVar variation 710495 (VCV000710495.27), dbSNP rs41285810, ClinGen allele CA506247.

ClinVar aggregate classification (germline): Benign/Likely benign. Review status: criteria provided, multiple submitters, no conflicts (2 of 4 stars). 2 submissions from 2 submitters: Benign (1); Likely benign (1). Last evaluated 2023-01-01.

Allele frequency attached by ClinVar (database versions not stated): 1000 Genomes Project 0.00300; 1000 Genomes Project 30x 0.00312; ExAC 0.00516; gnomAD exomes 0.00546; gnomAD 0.00584 and 0.00600; ESP Exome Variant Server 0.00600; TOPMed 0.00679.
gnomAD v4.1: 12,768 of 1,612,736 alleles (0.79%); highest among the groups gnomAD compares: Non-Finnish European, 0.97%; 80 homozygotes.

Submissions (2):

CeGaT Center for Human Genetics Tuebingen
Classification: Likely benign. Last evaluated: 2023-01-01. Review status: criteria provided, single submitter. Criteria: CeGaT Center For Human Genetics Tuebingen Variant Classification Criteria Version 2. Collection method: clinical testing. Allele origin: germline. Affected: yes. Observed: 1 variant allele.
Comment: PLEKHN1: BP4, BS2

Labcorp Genetics (formerly Invitae), Labcorp
Classification: Benign. Last evaluated: 2018-01-08. Review status: criteria provided, single submitter. Criteria: Invitae Variant Classification Sherloc (09022015). Collection method: clinical testing. Allele origin: germline.